The following is an entry in ClinVar:

NM_006121.4(KRT1):c.655G>T (p.Asp219Tyr)

Gene: KRT1 (keratin 1; minus strand). Cytogenetic location: 12q13.13.
Variant type: single nucleotide variant.
Coding change: c.655G>T on transcript NM_006121.4 (MANE Select); coding-DNA position 655, G replaced by T.
Protein change: p.Asp219Tyr; replaces aspartic acid 219 with tyrosine.
Molecular consequence: missense variant.
Genome position (GRCh38, 1-based): chr12:52,678,693, C>A on the plus strand (G>T on the coding strand, the complement: KRT1 is on the minus strand). VCF-style: chr12-52678693-C-A. GRCh37 (hg19) VCF-style: chr12-53072477-C-A.
Other names: c.655G>T (NM_006121.3); short protein forms D219Y.
Identifiers: ClinVar variation 2672143 (VCV002672143.3), dbSNP rs750248505, ClinGen allele CA6586387.
Genomic context (GRCh38, chr12:52,678,693, plus strand): 5'-GGAGATTGTTGATGAATGACTCAAAGTAGGGCTCTAAATTATGGGTTCTAGTGGAGGTAT[C>A]TACCTGCTGCAGCAGCTCCCATTTTGTTTGCAGTACCTGGTTCTGCTGCTCCAGGAACCT-3'
Protein context (NP_006112.3, residues 209-229): QTKWELLQQV[Asp219Tyr]TSTRTHNLEP

ClinVar aggregate classification (germline): Uncertain significance. Review status: criteria provided, multiple submitters, no conflicts (2 of 4 stars). 3 submissions from 3 submitters: Uncertain significance (3). Last evaluated 2025-10-27.

Conditions:
Ichthyosis. Also called: Ichthyosis (disease). Identifiers: Orphanet 79354, MedGen C0020757, MONDO:0019269, HP:0008064.
Inborn genetic diseases. Identifiers: MedGen C0950123, MeSH D030342.

Allele frequency attached by ClinVar (database versions not stated): gnomAD 0.00004; ExAC 0.00005; TOPMed 0.00005; gnomAD exomes 0.00006.
gnomAD v4.1: 88 of 1,614,104 alleles (0.0055%); highest among the groups gnomAD compares: Non-Finnish European, 0.0071%; no homozygotes.

Submissions (3):

Labcorp Genetics (formerly Invitae), Labcorp
Classification: Uncertain significance. Last evaluated: 2025-10-27. Review status: criteria provided, single submitter. Criteria: Invitae Variant Classification Sherloc (09022015). Collection method: clinical testing. Allele origin: germline.
Comment: This sequence change replaces aspartic acid, which is acidic and polar, with tyrosine, which is neutral and polar, at codon 219 of the KRT1 protein (p.Asp219Tyr). This variant is present in population databases (rs750248505, gnomAD 0.01%). This variant has not been reported in the literature in individuals affected with KRT1-related conditions. ClinVar contains an entry for this variant (Variation ID: 2672143). Invitae Evidence Modeling of protein sequence and biophysical properties (such as structural, functional, and spatial information, amino acid conservation, physicochemical variation, residue mobility, and thermodynamic stability) indicates that this missense variant is not expected to disrupt KRT1 protein function with a negative predictive value of 80%. In summary, the available evidence is currently insufficient to determine the role of this variant in disease. Therefore, it has been classified as a Variant of Uncertain Significance.

Ambry Genetics
Classification: Uncertain significance for Inborn genetic diseases. Last evaluated: 2025-05-17. Review status: criteria provided, single submitter. Criteria: Ambry Variant Classification Scheme 2023. Collection method: clinical testing. Allele origin: germline.

Clinical Genomics Laboratory, Washington University in St. Louis
Classification: Uncertain significance for Ichthyosis. Last evaluated: 2023-09-22. Review status: criteria provided, single submitter. Criteria: ACMG Guidelines, 2015. Collection method: clinical testing. Allele origin: germline.
Comment: The KRT1 c.655G>T (p.Asp219Tyr) was identified at a near heterozygous allelic fraction. This variant, to our knowledge, has not been reported in the medical literature. This variant is only observed on 6/152220 alleles in the general population (gnomAD v.3.1.2), indicating it is not a common variant. Computational predictors are uncertain as to the impact of this variant on the KRT1 function. Due to limited information and based on ACMG/AMP guidelines for variant interpretation (Richards S et al., PMID: 25741868), the clinical significance of this variant is uncertain at this time.